The following is an entry in ClinVar:

ClinVar aggregate classification (germline): Uncertain significance (1 of 4 stars; one submission).

Conditions:
Primary ciliary dyskinesia. Also called: Ciliary dyskinesia. Identifiers: Orphanet 244, MedGen C0008780, MONDO:0016575, HP:0012265.

Submission:

Ambry Genetics
Classification: Uncertain significance for Primary ciliary dyskinesia. Last evaluated: 2024-11-10. Review status: criteria provided, single submitter. Criteria: Ambry Variant Classification Scheme 2023. Collection method: clinical testing. Allele origin: germline.
Comment: The p.R1115W variant (also known as c.3343C>T), located in coding exon 20 of the CCDC40 gene, results from a C to T substitution at nucleotide position 3343. The arginine at codon 1115 is replaced by tryptophan, an amino acid with dissimilar properties. This amino acid position is conserved. In addition, this alteration is predicted to be tolerated by in silico analysis. Based on the available evidence, the clinical significance of this variant remains unclear.

NM_017950.4(CCDC40):c.3343C>T (p.Arg1115Trp)

Gene: CCDC40 (coiled-coil domain 40 molecular ruler complex subunit; plus strand). Cytogenetic location: 17q25.3.
Variant type: single nucleotide variant.
Coding change: c.3343C>T on transcript NM_017950.4 (MANE Select); coding-DNA position 3343, C replaced by T.
Protein change: p.Arg1115Trp; replaces arginine 1115 with tryptophan.
Molecular consequence: missense variant.
Genome position (GRCh38, 1-based): chr17:80,099,689, C>T. VCF-style: chr17-80099689-C-T. GRCh37 (hg19) VCF-style: chr17-78073488-C-T.
Other names: short protein forms R1115W.
Identifiers: ClinVar variation 3486706 (VCV003486706.1).